The following is an entry in ClinVar:

NM_000094.4(COL7A1):c.7620_7646del (p.Glu2540_Gly2548del)

Gene: COL7A1 (collagen type VII alpha 1 chain; minus strand). Cytogenetic location: 3p21.31.
Variant type: Deletion.
Coding change: c.7620_7646del on transcript NM_000094.4 (MANE Select); coding-DNA positions 7620 to 7646, 27 bases deleted (ACGAGGGCCTCGGGGCTTGGATGGTGA).
Protein change: p.Glu2540_Gly2548del.
Molecular consequence: inframe deletion.
Genome position (GRCh38, 1-based): chr3:48,569,415-48,569,441, TCACCATCCAAGCCCCGAGGCCCTCGT deleted on the plus strand (ACGAGGGCCTCGGGGCTTGGATGGTGA on the coding strand, the reverse complement: COL7A1 is on the minus strand); deleting any 27 consecutive bases within chr3:48,569,415-48,569,446 gives the same sequence; the c. name uses the placement nearest the transcript's 3' end. VCF-style (leftmost placement, unchanged base first): chr3-48569414-GTCACCATCCAAGCCCCGAGGCCCTCGT-G. GRCh37 (hg19) VCF-style: chr3-48606847-GTCACCATCCAAGCCCCGAGGCCCTCGT-G.
Identifiers: ClinVar variation 2067249 (VCV002067249.3), dbSNP rs1208133474, ClinGen allele CA542788874.

ClinVar aggregate classification (germline): Uncertain significance (1 of 4 stars; one submission).

Submission:

Labcorp Genetics (formerly Invitae), Labcorp
Classification: Uncertain significance. Last evaluated: 2024-05-06. Review status: criteria provided, single submitter. Criteria: Invitae Variant Classification Sherloc (09022015). Collection method: clinical testing. Allele origin: germline.
Comment: This variant, c.7620_7646del, results in the deletion of 9 amino acid(s) of the COL7A1 protein (p.Glu2540_Gly2548del), but otherwise preserves the integrity of the reading frame. This variant is present in population databases (no rsID available, gnomAD 0.002%). This variant has not been reported in the literature in individuals affected with COL7A1-related conditions. ClinVar contains an entry for this variant (Variation ID: 2067249). This variant disrupts the triple helix domain of COL7A1. Glycine residues within the Gly-Xaa-Yaa repeats of the triple helix domain are required for the structure and stability of fibrillar collagens (PMID: 7695699, 8218237, 19344236), and variants at these glycine residues in COL7A1 are more frequently observed in individuals with disease than in the general population (PMID: 22058051). However, the clinical significance of this observation remains uncertain since only a limited number of affected individuals have been described to date. In summary, the available evidence is currently insufficient to determine the role of this variant in disease. Therefore, it has been classified as a Variant of Uncertain Significance.

Literature cited by the submitters: PubMed 7695699; PubMed 8218237; PubMed 19344236; PubMed 22058051.